The following is an entry in ClinVar:

NM_058246.4(DNAJB6):c.869G>A (p.Gly290Glu)

Gene: DNAJB6 (DnaJ heat shock protein family (Hsp40) member B6; plus strand). Cytogenetic location: 7q36.3.
Variant type: single nucleotide variant.
Coding change: c.869G>A on transcript NM_058246.4 (MANE Select); coding-DNA position 869, G replaced by A.
Protein change: p.Gly290Glu; replaces glycine 290 with glutamic acid.
Molecular consequence: missense variant.
Genome position (GRCh38, 1-based): chr7:157,409,972, G>A. VCF-style: chr7-157409972-G-A. GRCh37 (hg19) VCF-style: chr7-157202666-G-A.
Other names: c.869G>A (NM_058246.3); c.524G>A, p.Gly175Glu (NM_001363676.1); short protein forms G175E, G290E.
Identifiers: ClinVar variation 1470740 (VCV001470740.9), dbSNP rs765439077, ClinGen allele CA370167494.

ClinVar aggregate classification (germline): Uncertain significance. Review status: criteria provided, multiple submitters, no conflicts (2 of 4 stars). 3 submissions from 3 submitters: Uncertain significance (3). Last evaluated 2025-08-08.

Conditions:
Inborn genetic diseases. Identifiers: MedGen C0950123, MeSH D030342.
Autosomal dominant limb-girdle muscular dystrophy type 1D (DNAJB6) (LGMDD1). Also called: MUSCULAR DYSTROPHY, LIMB-GIRDLE, TYPE 1D; Autosomal dominant limb-girdle muscular dystrophy type 1D; Muscular dystrophy, limb-girdle, autosomal dominant 1; MUSCULAR DYSTROPHY, AUTOSOMAL DOMINANT, WITH RIMMED VACUOLES. Identifiers: Orphanet 34516, MedGen C4721885, MONDO:0021018, OMIM 603511.

gnomAD v4.1: 14 of 1,535,054 alleles (0.00091%); highest among the groups gnomAD compares: Non-Finnish European, 0.0012%; no homozygotes.

Submissions (3):

Ambry Genetics
Classification: Uncertain significance for Inborn genetic diseases. Last evaluated: 2025-08-08. Review status: criteria provided, single submitter. Criteria: Ambry Variant Classification Scheme 2023. Collection method: clinical testing. Allele origin: germline.

Labcorp Genetics (formerly Invitae), Labcorp
Classification: Uncertain significance for Autosomal dominant limb-girdle muscular dystrophy type 1D (DNAJB6). Last evaluated: 2025-06-27. Review status: criteria provided, single submitter. Criteria: Invitae Variant Classification Sherloc (09022015). Collection method: clinical testing. Allele origin: germline.
Comment: This sequence change replaces glycine, which is neutral and non-polar, with glutamic acid, which is acidic and polar, at codon 290 of the DNAJB6 protein (p.Gly290Glu). This variant is not present in population databases (gnomAD no frequency). This variant has not been reported in the literature in individuals affected with DNAJB6-related conditions. ClinVar contains an entry for this variant (Variation ID: 1470740). Invitae Evidence Modeling of protein sequence and biophysical properties (such as structural, functional, and spatial information, amino acid conservation, physicochemical variation, residue mobility, and thermodynamic stability) indicates that this missense variant is not expected to disrupt DNAJB6 protein function with a negative predictive value of 80%. In summary, the available evidence is currently insufficient to determine the role of this variant in disease. Therefore, it has been classified as a Variant of Uncertain Significance.

Revvity Omics, Revvity
Classification: Uncertain significance for Autosomal dominant limb-girdle muscular dystrophy type 1D (DNAJB6). Last evaluated: 2020-03-12. Review status: criteria provided, single submitter. Criteria: ACMG Guidelines, 2015. Collection method: clinical testing. Allele origin: germline.